The following is an entry in ClinVar:

NM_007194.4(CHEK2):c.832A>T (p.Lys278Ter)

Gene: CHEK2 (checkpoint kinase 2; minus strand). Cytogenetic location: 22q12.1.
Variant type: single nucleotide variant.
Coding change: c.832A>T on transcript NM_007194.4 (MANE Select); coding-DNA position 832, A replaced by T.
Protein change: p.Lys278Ter; replaces lysine 278 with a stop codon.
Molecular consequence: nonsense.
Genome position (GRCh38, 1-based): chr22:28,710,020, T>A on the plus strand (A>T on the coding strand, the complement: CHEK2 is on the minus strand). VCF-style: chr22-28710020-T-A. GRCh37 (hg19) VCF-style: chr22-29106008-T-A.
Other names: c.961A>T, p.Lys321Ter (NM_001005735.3); c.169A>T, p.Lys57Ter (NM_001257387.3); c.631A>T, p.Lys211Ter (NM_001349956.3); c.832A>T, p.Lys278Ter (NM_145862.3); short protein forms K321*, K211*, K278*, K57*.
Identifiers: ClinVar variation 3650079 (VCV003650079.2).

ClinVar aggregate classification (germline): Pathogenic (1 of 4 stars; one submission).

Conditions:
Familial cancer of breast. Also called: hereditary breast carcinoma; BREAST CANCER, FAMILIAL; Hereditary breast cancer. Identifiers: Orphanet 227535, MedGen C0346153, MONDO:0016419, OMIM 114480. Disease mechanism: loss of function.

Submission:

Labcorp Genetics (formerly Invitae), Labcorp
Classification: Pathogenic for Familial cancer of breast. Last evaluated: 2024-05-21. Review status: criteria provided, single submitter. Criteria: Invitae Variant Classification Sherloc (09022015). Collection method: clinical testing. Allele origin: germline.
Comment: This sequence change creates a premature translational stop signal (p.Lys278*) in the CHEK2 gene. It is expected to result in an absent or disrupted protein product. Loss-of-function variants in CHEK2 are known to be pathogenic (PMID: 21876083, 24713400). This variant is not present in population databases (gnomAD no frequency). This variant has not been reported in the literature in individuals affected with CHEK2-related conditions. Algorithms developed to predict the effect of sequence changes on RNA splicing suggest that this variant may disrupt the consensus splice site. For these reasons, this variant has been classified as Pathogenic.

Literature cited by the submitters: PubMed 21876083; PubMed 24713400.